The following is an entry in ClinVar:

ClinVar aggregate classification (germline): Benign (0 of 4 stars; one submission).

Conditions:
DCHS2-related disorder. Also called: DCHS2-related condition.

Allele frequency attached by ClinVar (database versions not stated): 1000 Genomes Project 30x 0.78076; ESP Exome Variant Server 0.78387; TOPMed 0.78731; 1000 Genomes Project 0.78894; gnomAD 0.80478; ExAC 0.88841; gnomAD exomes 0.91103.
gnomAD v4.1: 1,452,892 of 1,613,460 alleles (90%); highest among the groups gnomAD compares: South Asian, 94%; 660,675 homozygotes.

Submission:

PreventionGenetics, part of Exact Sciences
Classification: Benign for DCHS2-related condition. Last evaluated: 2019-10-17. Review status: no assertion criteria provided. Collection method: clinical testing. Allele origin: germline.
Comment: This variant is classified as benign based on ACMG/AMP sequence variant interpretation guidelines (Richards et al. 2015 PMID: 25741868, with internal and published modifications).

NM_001358235.2(DCHS2):c.4086G>A (p.Ser1362=)

Gene: DCHS2 (dachsous cadherin-related 2; minus strand). Cytogenetic location: 4q31.3.
Variant type: single nucleotide variant.
Coding change: c.4086G>A on transcript NM_001358235.2 (MANE Select); coding-DNA position 4086, G replaced by A.
Protein change: p.Ser1362=; no amino-acid change (serine 1362 retained).
Molecular consequence: synonymous variant.
Genome position (GRCh38, 1-based): chr4:154,322,421, C>T on the plus strand (G>A on the coding strand, the complement: DCHS2 is on the minus strand). VCF-style: chr4-154322421-C-T. GRCh37 (hg19) VCF-style: chr4-155243573-C-T.
Identifiers: ClinVar variation 3059795 (VCV003059795.2), dbSNP rs13109747, ClinGen allele CA3112948.